The following is an entry in ClinVar:

ClinVar aggregate classification (germline): Uncertain significance (1 of 4 stars; one submission).

Submission:

Labcorp Genetics (formerly Invitae), Labcorp
Classification: Uncertain significance. Last evaluated: 2023-10-16. Review status: criteria provided, single submitter. Criteria: Invitae Variant Classification Sherloc (09022015). Collection method: clinical testing. Allele origin: germline.
Comment: This sequence change replaces valine, which is neutral and non-polar, with alanine, which is neutral and non-polar, at codon 87 of the GRIN2D protein (p.Val87Ala). This variant is not present in population databases (gnomAD no frequency). This variant has not been reported in the literature in individuals affected with GRIN2D-related conditions. Advanced modeling of protein sequence and biophysical properties (such as structural, functional, and spatial information, amino acid conservation, physicochemical variation, residue mobility, and thermodynamic stability) performed at Invitae indicates that this missense variant is not expected to disrupt GRIN2D protein function. In summary, the available evidence is currently insufficient to determine the role of this variant in disease. Therefore, it has been classified as a Variant of Uncertain Significance.

NM_000836.4(GRIN2D):c.260T>C (p.Val87Ala)

Gene: GRIN2D (glutamate ionotropic receptor NMDA type subunit 2D; plus strand). Cytogenetic location: 19q13.33.
Variant type: single nucleotide variant.
Coding change: c.260T>C on transcript NM_000836.4 (MANE Select); coding-DNA position 260, T replaced by C.
Protein change: p.Val87Ala; replaces valine 87 with alanine.
Molecular consequence: missense variant.
Genome position (GRCh38, 1-based): chr19:48,398,652, T>C. VCF-style: chr19-48398652-T-C. GRCh37 (hg19) VCF-style: chr19-48901909-T-C.
Other names: short protein forms V87A.
Identifiers: ClinVar variation 2957450 (VCV002957450.3), dbSNP rs1015515567, ClinGen allele CA309325528.